The following is an entry in ClinVar:

NC_000009.12:g.109167264C>A

Gene: FRRS1L (ferric chelate reductase 1 like; minus strand). Cytogenetic location: 9q31.3.
Variant type: single nucleotide variant.
Genome position: GRCh38 VCF-style: chr9-109167264-C-A. GRCh37 (hg19) VCF-style: chr9-111929544-C-A.
Identifiers: ClinVar variation 2198624 (VCV002198624.2), dbSNP rs2538516237, ClinGen allele CA374431152.

ClinVar aggregate classification (germline): Uncertain significance (1 of 4 stars; one submission).

Conditions:
Developmental and epileptic encephalopathy, 37 (DEE37). Also called: Epileptic encephalopathy, early infantile, 37. Identifiers: MedGen C4310770, MONDO:0014859, OMIM 616981.

Allele frequency attached by ClinVar (database versions not stated): gnomAD exomes below 0.00001.

Submission:

Labcorp Genetics (formerly Invitae), Labcorp
Classification: Uncertain significance for Developmental and epileptic encephalopathy, 37. Last evaluated: 2022-04-24. Review status: criteria provided, single submitter. Criteria: Invitae Variant Classification Sherloc (09022015). Collection method: clinical testing. Allele origin: germline.
Comment: This variant is not present in population databases (gnomAD no frequency). This variant has not been reported in the literature in individuals affected with FRRS1L-related conditions. This sequence change replaces glycine, which is neutral and non-polar, with cysteine, which is neutral and slightly polar, at codon 10 of the FRRS1L protein (p.Gly10Cys). In summary, the available evidence is currently insufficient to determine the role of this variant in disease. Therefore, it has been classified as a Variant of Uncertain Significance. Algorithms developed to predict the effect of missense changes on protein structure and function are either unavailable or do not agree on the potential impact of this missense change (SIFT: "Deleterious"; PolyPhen-2: "Not Available"; Align-GVGD: "Class C0").